The following is an entry in ClinVar:

NM_031844.3(HNRNPU):c.697G>A (p.Gly233Ser)

Gene: HNRNPU (heterogeneous nuclear ribonucleoprotein U; minus strand). Cytogenetic location: 1q44.
Variant type: single nucleotide variant.
Coding change: c.697G>A on transcript NM_031844.3 (MANE Select); coding-DNA position 697, G replaced by A.
Protein change: p.Gly233Ser; replaces glycine 233 with serine.
Molecular consequence: missense variant.
Genome position (GRCh38, 1-based): chr1:244,862,725, C>T on the plus strand (G>A on the coding strand, the complement: HNRNPU is on the minus strand). VCF-style: chr1-244862725-C-T. GRCh37 (hg19) VCF-style: chr1-245026027-C-T.
Other names: c.640G>A, p.Gly214Ser (NM_004501.3); short protein forms G214S, G233S.
Identifiers: ClinVar variation 3026990 (VCV003026990.22), dbSNP rs771487560, ClinGen allele CA1486713.

ClinVar aggregate classification (germline): Likely benign (1 of 4 stars; one submission).

Allele frequency attached by ClinVar (database versions not stated): gnomAD exomes below 0.00001; ExAC 0.00002.
gnomAD v4.1: 2 of 1,613,014 alleles (0.00012%); highest among the groups gnomAD compares: South Asian, 0.0022%; no homozygotes.

Submission:

CeGaT Center for Human Genetics Tuebingen
Classification: Likely benign. Last evaluated: 2024-01-01. Review status: criteria provided, single submitter. Criteria: CeGaT Center For Human Genetics Tuebingen Variant Classification Criteria Version 2. Collection method: clinical testing. Allele origin: germline. Affected: yes. Observed: 1 variant allele.
Comment: HNRNPU: BS2